The following is an entry in ClinVar:

ClinVar aggregate classification (germline): Pathogenic (1 of 4 stars; one submission).

Conditions:
Brachyolmia-amelogenesis imperfecta syndrome. Also called: Tooth agenesis, selective, 6; Dental anomalies and short stature; PLATYSPONDYLY WITH AMELOGENESIS IMPERFECTA. Identifiers: Orphanet 2899, MedGen C1832594, MONDO:0011018, OMIM 601216. Disease mechanism: loss of function.

Submission:

Labcorp Genetics (formerly Invitae), Labcorp
Classification: Pathogenic for Brachyolmia-amelogenesis imperfecta syndrome. Last evaluated: 2023-02-09. Review status: criteria provided, single submitter. Criteria: Invitae Variant Classification Sherloc (09022015). Collection method: clinical testing. Allele origin: germline.
Comment: For these reasons, this variant has been classified as Pathogenic. This variant has not been reported in the literature in individuals affected with LTBP3-related conditions. This variant is not present in population databases (gnomAD no frequency). This sequence change creates a premature translational stop signal (p.Glu941*) in the LTBP3 gene. It is expected to result in an absent or disrupted protein product. Loss-of-function variants in LTBP3 are known to be pathogenic (PMID: 11790802, 19344874, 25669657).

Literature cited by the submitters: PubMed 11790802; PubMed 19344874; PubMed 25669657.

NM_001130144.3(LTBP3):c.2821G>T (p.Glu941Ter)

Gene: LTBP3 (latent transforming growth factor beta binding protein 3; minus strand). Cytogenetic location: 11q13.1.
Variant type: single nucleotide variant.
Coding change: c.2821G>T on transcript NM_001130144.3 (MANE Select); coding-DNA position 2821, G replaced by T.
Protein change: p.Glu941Ter; replaces glutamic acid 941 with a stop codon.
Molecular consequence: nonsense.
Genome position (GRCh38, 1-based): chr11:65,541,198, C>A on the plus strand (G>T on the coding strand, the complement: LTBP3 is on the minus strand). VCF-style: chr11-65541198-C-A. GRCh37 (hg19) VCF-style: chr11-65308669-C-A.
Other names: c.2470G>T, p.Glu824Ter (NM_001164266.1); c.2821G>T, p.Glu941Ter (NM_021070.4); short protein forms E941*, E824*.
Identifiers: ClinVar variation 2005613 (VCV002005613.4), dbSNP rs2496130187, ClinGen allele CA381268320.